The following is an entry in ClinVar:

ClinVar aggregate classification (germline): Likely benign (1 of 4 stars; one submission).

gnomAD v4.1: 6 of 1,609,712 alleles (0.00037%); highest among the groups gnomAD compares: Non-Finnish European, 0.00042%; no homozygotes.

Submission:

Mayo Clinic Laboratories, Mayo Clinic
Classification: Likely benign. Last evaluated: 2025-10-08. Review status: criteria provided, single submitter. Criteria: ACMG Guidelines, 2015. Collection method: clinical testing. Allele origin: germline. Observed: 1 variant allele.
Comment: BP4, BP7

NM_015268.4(DNAJC13):c.*10G>C

Gene: DNAJC13 (DnaJ heat shock protein family (Hsp40) member C13; plus strand). Cytogenetic location: 3q22.1.
Variant type: single nucleotide variant.
Coding change: c.*10G>C on transcript NM_015268.4 (MANE Select); 10 bases downstream of the stop codon, G replaced by C.
Molecular consequence: 3 prime UTR variant.
Genome position (GRCh38, 1-based): chr3:132,538,292, G>C. VCF-style: chr3-132538292-G-C. GRCh37 (hg19) VCF-style: chr3-132257136-G-C.
Other names: c.*10G>C (NM_001329126.2).
Identifiers: ClinVar variation 4684721 (VCV004684721.1).